The following is an entry in ClinVar:

NM_007294.4(BRCA1):c.1201G>A (p.Gly401Arg)

Gene: BRCA1 (BRCA1 DNA repair associated; minus strand). Cytogenetic location: 17q21.31.
Variant type: single nucleotide variant.
Coding change: c.1201G>A on transcript NM_007294.4 (MANE Select); coding-DNA position 1201, G replaced by A.
Protein change: p.Gly401Arg; replaces glycine 401 with arginine.
Molecular consequence: missense variant. On other transcripts: intron variant (137).
Genome position (GRCh38, 1-based): chr17:43,094,330, C>T on the plus strand (G>A on the coding strand, the complement: BRCA1 is on the minus strand). VCF-style: chr17-43094330-C-T. GRCh37 (hg19) VCF-style: chr17-41246347-C-T.
Other names: c.1201G>A, p.Gly401Arg (NM_001407581.1, NM_001407582.1, NM_001407583.1 and 30 more transcripts); c.1198G>A, p.Gly400Arg (NM_001407587.1, NM_001407590.1, NM_001407591.1 and 22 more transcripts); c.1123G>A, p.Gly375Arg (NM_001407654.1, NM_001407655.1, NM_001407656.1 and 4 more transcripts); c.1120G>A, p.Gly374Arg (NM_001407659.1, NM_001407660.1, NM_001407661.1 and 1 more transcripts); c.1075G>A, p.Gly359Arg (NM_001407673.1, NM_001407649.1, NM_001407670.1 and 11 more transcripts); c.1078G>A, p.Gly360Arg (NM_001407674.1, NM_001407675.1, NM_001407676.1 and 19 more transcripts); c.1060G>A, p.Gly354Arg (NM_001407692.1, NM_001407694.1, NM_001407695.1 and 29 more transcripts); c.1057G>A, p.Gly353Arg (NM_001407740.1, NM_001407741.1, NM_001407742.1 and 20 more transcripts); and 40 more; short protein forms G401R, G354R, G290R, G312R, G331R, G359R, G274R, G313R.
Identifiers: ClinVar variation 531230 (VCV000531230.21), dbSNP rs1555592242, ClinGen allele CA10599648.
Genomic context (GRCh38, chr17:43,094,330, plus strand): 5'-CATCTACCTCATTTAGAACGTCCAATACATCAGCTACTTTGGCATTTGATTCAGACTCCC[C>T]ATCATGTGAGTCATCAGAACCTAACAGTTCATCACTTCTGGAAAACCACTCATTAACTTT-3'
Protein context (NP_009225.1, residues 391-411): ELLGSDDSHD[Gly401Arg]ESESNAKVAD

ClinVar aggregate classification (germline): Conflicting classifications of pathogenicity. Review status: criteria provided, conflicting classifications (1 of 4 stars). 6 submissions from 6 submitters: Uncertain significance (5); Likely benign (1). Last evaluated 2025-07-22.

Conditions:
Hereditary breast ovarian cancer syndrome. Also called: Breast and ovarian cancer; Hereditary breast and/or ovarian cancer syndrome; BRCA1- and BRCA2-Associated Hereditary Breast and Ovarian Cancer; Hereditary breast and ovarian cancer syndrome; Hereditary breast and ovarian cancer syndrome (HBOC); Hereditary breast and ovarian cancer. Identifiers: Orphanet 145, MedGen C0677776, MeSH D061325, MONDO:0003582. Disease mechanism: loss of function.
Breast-ovarian cancer, familial, susceptibility to, 1 (BROVCA1). Also called: BRCA1 Hereditary Breast and Ovarian Cancer; OVARIAN CANCER, SUSCEPTIBILITY TO. Identifiers: Orphanet 145, MedGen C2676676, MONDO:0011450, OMIM 604370. Disease mechanism: loss of function.
Hereditary cancer-predisposing syndrome. Also called: Tumor predisposition; Hereditary Cancer Syndrome; Hereditary neoplastic syndrome; Neoplastic Syndromes, Hereditary. Identifiers: Orphanet 140162, MedGen C0027672, MeSH D009386, MONDO:0015356.

Allele frequency attached by ClinVar (database versions not stated): gnomAD exomes below 0.00001.
gnomAD v4.1: 2 of 1,614,110 alleles (0.00012%); highest among the groups gnomAD compares: Non-Finnish European, 0.00017%; no homozygotes.

Submissions (6):

Labcorp Genetics (formerly Invitae), Labcorp
Classification: Uncertain significance for Hereditary breast ovarian cancer syndrome. Last evaluated: 2025-07-22. Review status: criteria provided, single submitter. Criteria: Invitae Variant Classification Sherloc (09022015). Collection method: clinical testing. Allele origin: germline.
Comment: This sequence change replaces glycine, which is neutral and non-polar, with arginine, which is basic and polar, at codon 401 of the BRCA1 protein (p.Gly401Arg). This variant is not present in population databases (gnomAD no frequency). This variant has not been reported in the literature in individuals affected with BRCA1-related conditions. ClinVar contains an entry for this variant (Variation ID: 531230). Invitae Evidence Modeling of protein sequence and biophysical properties (such as structural, functional, and spatial information, amino acid conservation, physicochemical variation, residue mobility, and thermodynamic stability) indicates that this missense variant is not expected to disrupt BRCA1 protein function with a negative predictive value of 80%. In summary, the available evidence is currently insufficient to determine the role of this variant in disease. Therefore, it has been classified as a Variant of Uncertain Significance.

Ambry Genetics
Classification: Uncertain significance for Hereditary cancer-predisposing syndrome. Last evaluated: 2025-04-10. Review status: criteria provided, single submitter. Criteria: Ambry Variant Classification Scheme 2023. Collection method: clinical testing. Allele origin: germline.
Comment: The p.G401R variant (also known as c.1201G>A), located in coding exon 9 of the BRCA1 gene, results from a G to A substitution at nucleotide position 1201. The glycine at codon 401 is replaced by arginine, an amino acid with dissimilar properties. This amino acid position is poorly conserved in available vertebrate species. In addition, the in silico prediction for this alteration is inconclusive. Based on the available evidence, the clinical significance of this variant remains unclear.

GeneDx
Classification: Uncertain significance. Last evaluated: 2023-07-03. Review status: criteria provided, single submitter. Criteria: GeneDx Variant Classification Process June 2021. Collection method: clinical testing. Allele origin: germline. Affected: yes.
Comment: Not observed at significant frequency in large population cohorts (gnomAD); In silico analysis supports that this missense variant has a deleterious effect on protein structure/function; Has not been previously published as pathogenic or benign to our knowledge; Also known as 1320G>A; This variant is associated with the following publications: (PMID: 31911673, 20215511, 10426999, 9582019, 9926942, 15343273)

All of Us Research Program, National Institutes of Health
Classification: Uncertain significance for Breast-ovarian cancer, familial, susceptibility to, 1. Last evaluated: 2023-05-16. Review status: criteria provided, single submitter. Criteria: ACMG Guidelines, 2015. Collection method: clinical testing. Allele origin: germline. Inheritance: Autosomal dominant inheritance. Observed: 1 variant allele, 1 heterozygote.
Comment: This missense variant replaces glycine with arginine at codon 401 of the BRCA1 protein. Computational prediction is inconclusive regarding the impact of this variant on protein structure and function (internally defined REVEL score threshold 0.5 < inconclusive < 0.7, PMID: 27666373). To our knowledge, functional studies have not been reported for this variant. This variant has not been reported in individuals affected with hereditary cancer in the literature. This variant has not been identified in the general population by the Genome Aggregation Database (gnomAD). The available evidence is insufficient to determine the role of this variant in disease conclusively. Therefore, this variant is classified as a Variant of Uncertain Significance.

This study involves interpretation of variants in research participants for the purpose of population health screening. Participant phenotype was not available at the time of variant classification. Additional details can be found in publication PMID: 35346344, PMCID: PMC8962531

Color Diagnostics, LLC DBA Color Health
Classification: Uncertain significance for Hereditary cancer-predisposing syndrome. Last evaluated: 2023-04-20. Review status: criteria provided, single submitter. Criteria: ACMG Guidelines, 2015. Collection method: clinical testing. Allele origin: germline.
Comment: This missense variant replaces glycine with arginine at codon 401 of the BRCA1 protein. Computational prediction is inconclusive regarding the impact of this variant on protein structure and function (internally defined REVEL score threshold 0.5 < inconclusive < 0.7, PMID: 27666373). To our knowledge, functional studies have not been reported for this variant. This variant has not been reported in individuals affected with hereditary cancer in the literature. This variant has not been identified in the general population by the Genome Aggregation Database (gnomAD). The available evidence is insufficient to determine the role of this variant in disease conclusively. Therefore, this variant is classified as a Variant of Uncertain Significance.

University of Washington Department of Laboratory Medicine, University of Washington
Classification: Likely benign for Hereditary cancer-predisposing syndrome. Last evaluated: 2023-03-23. Review status: criteria provided, single submitter. Criteria: Dines et al. (Genet Med. 2020). Collection method: curation. Allele origin: germline.
Comment: Missense variant in a coldspot region where missense variants are very unlikely to be pathogenic (PMID:31911673).

BRCA1 coldspot (exon 11 using historical exon numbering). Reclassification based on statistical prior probability